The following is an entry in ClinVar:

ClinVar aggregate classification (germline): Uncertain significance (1 of 4 stars; one submission).

Conditions:
Neurofibromatosis, type 1 (NF1). Also called: Peripheral type neurofibromatosis; Neurofibromatosis, type I; VON RECKLINGHAUSEN DISEASE; NEUROFIBROMATOSIS, TYPE I, SOMATIC. Identifiers: Orphanet 636, MedGen C0027831, MONDO:0018975, OMIM 162200. Disease mechanism: loss of function.

Submission:

Labcorp Genetics (formerly Invitae), Labcorp
Classification: Uncertain significance for Neurofibromatosis, type 1. Last evaluated: 2019-03-02. Review status: criteria provided, single submitter. Criteria: Invitae Variant Classification Sherloc (09022015). Collection method: clinical testing. Allele origin: germline.
Comment: This sequence change replaces threonine with isoleucine at codon 2466 of the NF1 protein (p.Thr2466Ile). The threonine residue is moderately conserved and there is a moderate physicochemical difference between threonine and isoleucine. This variant is not present in population databases (ExAC no frequency). This variant has not been reported in the literature in individuals with NF1-related conditions. Algorithms developed to predict the effect of missense changes on protein structure and function are either unavailable or do not agree on the potential impact of this missense change (SIFT: "Deleterious"; PolyPhen-2: "Benign"; Align-GVGD: "Class C0"). In summary, the available evidence is currently insufficient to determine the role of this variant in disease. Therefore, it has been classified as a Variant of Uncertain Significance.

NM_001042492.3(NF1):c.7460C>T (p.Thr2487Ile)

Gene: NF1 (neurofibromin 1; plus strand). Cytogenetic location: 17q11.2.
Variant type: single nucleotide variant.
Coding change: c.7460C>T on transcript NM_001042492.3 (MANE Select); coding-DNA position 7460, C replaced by T.
Protein change: p.Thr2487Ile; replaces threonine 2487 with isoleucine.
Molecular consequence: missense variant.
Genome position (GRCh38, 1-based): chr17:31,352,259, C>T. VCF-style: chr17-31352259-C-T. GRCh37 (hg19) VCF-style: chr17-29679277-C-T.
Other names: c.7397C>T, p.Thr2466Ile (NM_000267.4); short protein forms T2466I, T2487I.
Identifiers: ClinVar variation 837158 (VCV000837158.6), dbSNP rs2070166606, ClinGen allele CA399017401.